The following is an entry in ClinVar:

ClinVar aggregate classification (germline): Uncertain significance (1 of 4 stars; one submission).

Conditions:
GREB1L-related disorder. Also called: GREB1L-related condition.

Allele frequency attached by ClinVar (database versions not stated): gnomAD 0.00004; gnomAD exomes 0.00005; TOPMed 0.00005.
gnomAD v4.1: 76 of 1,447,968 alleles (0.0052%); highest among the groups gnomAD compares: Non-Finnish European, 0.0068%; no homozygotes.

Submission:

PreventionGenetics, part of Exact Sciences
Classification: Uncertain significance for GREB1L-related condition. Last evaluated: 2023-02-07. Review status: criteria provided, single submitter. Criteria: ACMG Guidelines, 2015. Collection method: clinical testing. Allele origin: germline.
Comment: The GREB1L c.3931T>C variant is predicted to result in the amino acid substitution p.Phe1311Leu. To our knowledge, this variant has not been reported in the literature. This variant is reported in 0.0018% of alleles in individuals of European (Non-Finnish) descent in gnomAD. At this time, the clinical significance of this variant is uncertain due to the absence of conclusive functional and genetic evidence.

NM_001142966.3(GREB1L):c.3931T>C (p.Phe1311Leu)

Gene: GREB1L (GREB1 like retinoic acid receptor coactivator; plus strand). Cytogenetic location: 18q11.2.
Variant type: single nucleotide variant.
Coding change: c.3931T>C on transcript NM_001142966.3 (MANE Select); coding-DNA position 3931, T replaced by C.
Protein change: p.Phe1311Leu; replaces phenylalanine 1311 with leucine.
Molecular consequence: missense variant.
Genome position (GRCh38, 1-based): chr18:21,500,268, T>C. VCF-style: chr18-21500268-T-C. GRCh37 (hg19) VCF-style: chr18-19080229-T-C.
Other names: c.4060T>C, p.Phe1354Leu (NM_001410867.1); c.3604T>C, p.Phe1202Leu (NM_001410868.1); short protein forms F1202L, F1311L, F1354L.
Identifiers: ClinVar variation 2632044 (VCV002632044.1), dbSNP rs751754876, ClinGen allele CA296945058.